The following is an entry in ClinVar:

NM_007198.4(PLPBP):c.340C>A (p.Leu114Met)

Gene: PLPBP (pyridoxal phosphate binding protein; plus strand). Cytogenetic location: 8p11.23.
Variant type: single nucleotide variant.
Coding change: c.340C>A on transcript NM_007198.4 (MANE Select); coding-DNA position 340, C replaced by A.
Protein change: p.Leu114Met; replaces leucine 114 with methionine.
Molecular consequence: missense variant.
Genome position (GRCh38, 1-based): chr8:37,772,775, C>A. VCF-style: chr8-37772775-C-A. GRCh37 (hg19) VCF-style: chr8-37630293-C-A.
Other names: c.340C>A, p.Leu114Met (NM_001349346.2); c.334C>A, p.Leu112Met (NM_001349347.2); c.184C>A, p.Leu62Met (NM_001349348.2); c.340C>A (NM_007198.3); short protein forms L112M, L114M, L62M.
Identifiers: ClinVar variation 1985002 (VCV001985002.4), dbSNP rs760144494, ClinGen allele CA4711217.
Genomic context (GRCh38, chr8:37,772,775, plus strand): 5'-AGCAAATAAGGAATACTACTTTGCCTCTGTCTCATTACAGCTGTCCCCAATCTCTTCATG[C>A]TGGAAACAGTGGATTCTGTGAAGTTGGCAGACAAAGTGAACAGTTCCTGGCAGAGAAAAG-3'
Protein context (NP_009129.1, residues 104-124): KLMAVPNLFM[Leu114Met]ETVDSVKLAD

ClinVar aggregate classification (germline): Uncertain significance. Review status: criteria provided, multiple submitters, no conflicts (2 of 4 stars). 2 submissions from 2 submitters: Uncertain significance (2). Last evaluated 2025-08-22.

Conditions:
Inborn genetic diseases. Identifiers: MedGen C0950123, MeSH D030342.

Allele frequency attached by ClinVar (database versions not stated): gnomAD exomes below 0.00001; gnomAD 0.00001; TOPMed 0.00001; ExAC 0.00002.
gnomAD v4.1: 14 of 1,614,078 alleles (0.00087%); highest among the groups gnomAD compares: Middle Eastern, 0.016%; no homozygotes.

Submissions (2):

Ambry Genetics
Classification: Uncertain significance for Inborn genetic diseases. Last evaluated: 2025-08-22. Review status: criteria provided, single submitter. Criteria: Ambry Variant Classification Scheme 2023. Collection method: clinical testing. Allele origin: germline.

Labcorp Genetics (formerly Invitae), Labcorp
Classification: Uncertain significance. Last evaluated: 2022-02-09. Review status: criteria provided, single submitter. Criteria: Invitae Variant Classification Sherloc (09022015). Collection method: clinical testing. Allele origin: germline.
Comment: In summary, the available evidence is currently insufficient to determine the role of this variant in disease. Therefore, it has been classified as a Variant of Uncertain Significance. This sequence change replaces leucine, which is neutral and non-polar, with methionine, which is neutral and non-polar, at codon 114 of the PROSC protein (p.Leu114Met). This variant is present in population databases (rs760144494, gnomAD 0.05%). This variant has not been reported in the literature in individuals affected with PROSC-related conditions. Algorithms developed to predict the effect of missense changes on protein structure and function are either unavailable or do not agree on the potential impact of this missense change (SIFT: "Deleterious"; PolyPhen-2: "Probably Damaging"; Align-GVGD: "Class C0").